The following is an entry in ClinVar:

ClinVar aggregate classification (germline): Uncertain significance (1 of 4 stars; one submission).

Submission:

Labcorp Genetics (formerly Invitae), Labcorp
Classification: Uncertain significance. Last evaluated: 2022-02-11. Review status: criteria provided, single submitter. Criteria: Invitae Variant Classification Sherloc (09022015). Collection method: clinical testing. Allele origin: germline.
Comment: In summary, the available evidence is currently insufficient to determine the role of this variant in disease. Therefore, it has been classified as a Variant of Uncertain Significance. Advanced modeling of protein sequence and biophysical properties (such as structural, functional, and spatial information, amino acid conservation, physicochemical variation, residue mobility, and thermodynamic stability) performed at Invitae indicates that this missense variant is not expected to disrupt CNGB1 protein function. This sequence change replaces lysine, which is basic and polar, with arginine, which is basic and polar, at codon 444 of the CNGB1 protein (p.Lys444Arg). This variant is not present in population databases (gnomAD no frequency). This variant has not been reported in the literature in individuals affected with CNGB1-related conditions.

NM_001297.5(CNGB1):c.1331A>G (p.Lys444Arg)

Gene: CNGB1 (cyclic nucleotide gated channel subunit beta 1; minus strand). Cytogenetic location: 16q21.
Variant type: single nucleotide variant.
Coding change: c.1331A>G on transcript NM_001297.5 (MANE Select); coding-DNA position 1331, A replaced by G.
Protein change: p.Lys444Arg; replaces lysine 444 with arginine.
Molecular consequence: missense variant.
Genome position (GRCh38, 1-based): chr16:57,939,471, T>C on the plus strand (A>G on the coding strand, the complement: CNGB1 is on the minus strand). VCF-style: chr16-57939471-T-C. GRCh37 (hg19) VCF-style: chr16-57973375-T-C.
Other names: c.1313A>G, p.Lys438Arg (NM_001286130.2); short protein forms K444R, K438R.
Identifiers: ClinVar variation 2096801 (VCV002096801.4), dbSNP rs2544654898, ClinGen allele CA396072597.
Genomic context (GRCh38, chr16:57,939,471, plus strand): 5'-CCACCACCACCACACCTACCTCCTGAACTGGCAGCCTCGGCCTCAGCCTCAGGCTCCTCC[T>C]TGGTCTCCGCCCAGTCCTGGGGCTCCTTTTCAGCCTCCTCTTCAGCCACCTCCTCGGCCT-3'
Protein context (NP_001288.3, residues 434-454): EKEPQDWAET[Lys444Arg]EEPEAEAEAA